The following is an entry in ClinVar:

NM_000814.6(GABRB3):c.604G>A (p.Gly202Arg)

Gene: GABRB3 (gamma-aminobutyric acid type A receptor subunit beta3; minus strand). Cytogenetic location: 15q12.
Variant type: single nucleotide variant.
Coding change: c.604G>A on transcript NM_000814.6 (MANE Select); coding-DNA position 604, G replaced by A.
Protein change: p.Gly202Arg; replaces glycine 202 with arginine.
Molecular consequence: missense variant.
Genome position (GRCh38, 1-based): chr15:26,580,397, C>T on the plus strand (G>A on the coding strand, the complement: GABRB3 is on the minus strand). VCF-style: chr15-26580397-C-T. GRCh37 (hg19) VCF-style: chr15-26825544-C-T.
Other names: c.604G>A, p.Gly202Arg (NM_021912.5); c.349G>A, p.Gly117Arg (NM_001191320.2, NM_001278631.2); c.391G>A, p.Gly131Arg (NM_001191321.3); short protein forms G117R, G131R, G202R.
Identifiers: ClinVar variation 4793886 (VCV004793886.1).

ClinVar aggregate classification (germline): Uncertain significance (1 of 4 stars; one submission).

Conditions:
Epilepsy, childhood absence, susceptibility to, 1. Also called: Epilepsy, childhood absence 1. Identifiers: Orphanet 64280, MedGen C1838604, MONDO:0020759, OMIM 600131.
Epilepsy, childhood absence, susceptibility to, 5. Identifiers: Orphanet 64280, MedGen C2677087, MONDO:0012843, OMIM 612269.

Submission:

Labcorp Genetics (formerly Invitae), Labcorp
Classification: Uncertain significance for Epilepsy, childhood absence, susceptibility to, 5; Epilepsy, childhood absence, susceptibility to, 1. Last evaluated: 2025-08-15. Review status: criteria provided, single submitter. Criteria: Invitae Variant Classification Sherloc (09022015). Collection method: clinical testing. Allele origin: germline.
Comment: This sequence change replaces glycine, which is neutral and non-polar, with arginine, which is basic and polar, at codon 202 of the GABRB3 protein (p.Gly202Arg). This variant is not present in population databases (gnomAD no frequency). This variant has not been reported in the literature in individuals affected with GABRB3-related conditions. Invitae Evidence Modeling of protein sequence and biophysical properties (such as structural, functional, and spatial information, amino acid conservation, physicochemical variation, residue mobility, and thermodynamic stability) indicates that this missense variant is expected to disrupt GABRB3 protein function with a positive predictive value of 95%. In summary, the available evidence is currently insufficient to determine the role of this variant in disease. Therefore, it has been classified as a Variant of Uncertain Significance.